The following is an entry in ClinVar:

NM_000159.4(GCDH):c.158dup (p.Leu54fs)

Genes: GCDH (glutaryl-CoA dehydrogenase; plus strand), LOC117125594 (CRISPRi-FlowFISH-validated KLF1 regulatory element; plus strand). Cytogenetic location: 19p13.13.
Variant type: Duplication.
Coding change: c.158dup on transcript NM_000159.4 (MANE Select); coding-DNA position 158, one base duplicated (C; older notation c.158dupC).
Protein change: p.Leu54fs; shifts the reading frame from leucine 54.
Molecular consequence: frameshift variant. On other transcripts: non-coding transcript variant (2).
Genome position (GRCh38, 1-based): chr19:12,891,861, C duplicated; the last of 3 consecutive C bases (chr19:12,891,859-12,891,861); duplicating any one gives the same sequence. VCF-style (leftmost placement, unchanged base first): chr19-12891858-A-AC. GRCh37 (hg19) VCF-style: chr19-13002672-A-AC.
Other names: c.158dup, p.Leu54fs (NM_013976.5); short protein forms L54fs.
Identifiers: ClinVar variation 5011781 (VCV005011781.1).

ClinVar aggregate classification (germline): Pathogenic (1 of 4 stars; one submission).

Conditions:
Glutaric aciduria, type 1. Also called: GA I; Glutaryl-CoA dehydrogenase deficiency; Glutaric acidemia type I; Glutaricacidemia Type 1; Glutaricaciduria, type I; Glutaric Acidemia Type 1. Identifiers: Orphanet 25, MedGen C0268595, MONDO:0009281, OMIM 231670.

Submission:

Myriad Genetics, Inc.
Classification: Pathogenic for Glutaric aciduria, type 1. Last evaluated: 2023-09-27. Review status: criteria provided, single submitter. Criteria: Myriad Autosomal Dominant, Autosomal Recessive and X-Linked Classification Criteria (2023). Collection method: clinical testing. Allele origin: unknown.
Comment: NM_000159.2(GCDH):c.158dupC(L54Afs*11) is expected to be pathogenic in the context of glutaric acidemia, GCDH-related. This variant is predicted to lead to an abnormal or absent protein product due to the creation of a premature termination codon in GCDH, a gene where loss-of-function variants are known to be pathogenic. Please note: this variant was assessed in the context of healthy population screening.